The following is an entry in ClinVar:

ClinVar aggregate classification (germline): Pathogenic (1 of 4 stars; one submission).

Conditions:
Hereditary cancer-predisposing syndrome. Also called: Neoplastic Syndromes, Hereditary; Tumor predisposition; Hereditary Cancer Syndrome; Hereditary neoplastic syndrome. Identifiers: Orphanet 140162, MedGen C0027672, MeSH D009386, MONDO:0015356.

Submission:

Ambry Genetics
Classification: Pathogenic for Hereditary cancer-predisposing syndrome. Last evaluated: 2017-01-19. Review status: criteria provided, single submitter. Criteria: Ambry Variant Classification Scheme 2023. Collection method: clinical testing. Allele origin: germline.
Comment: The c.6975_6976delTT pathogenic mutation, located in coding exon 12 of the BRCA2 gene, results from a deletion of two nucleotides at positions 6975 to 6976, causing a translational frameshift with a predicted alternate stop codon (p.S2326Ffs*13). This alteration is expected to result in loss of function by premature protein truncation or nonsense-mediated mRNA decay. As such, this alteration is interpreted as a disease-causing mutation.

NM_000059.4(BRCA2):c.6975_6976del (p.Ser2326fs)

Gene: BRCA2 (BRCA2 DNA repair associated; plus strand). Cytogenetic location: 13q13.1.
Variant type: Deletion.
Coding change: c.6975_6976del on transcript NM_000059.4 (MANE Select); coding-DNA positions 6975 to 6976, 2 bases deleted (TT; older notation c.6975_6976delTT).
Protein change: p.Ser2326fs; shifts the reading frame from serine 2326.
Molecular consequence: frameshift variant.
Genome position (GRCh38, 1-based): chr13:32,346,864-32,346,865, TT deleted; deleting any 2 consecutive bases within chr13:32,346,863-32,346,865 gives the same sequence; the c. name uses the placement nearest the transcript's 3' end. VCF-style (leftmost placement, unchanged base first): chr13-32346862-GTT-G. GRCh37 (hg19) VCF-style: chr13-32920999-GTT-G.
Other names: c.6975_6976delTT (NM_000059.3); short protein forms S2326fs.
Identifiers: ClinVar variation 481589 (VCV000481589.5), dbSNP rs886040679, ClinGen allele CA658656386.